The following is an entry in ClinVar:

NM_004100.5(EYA4):c.929A>G (p.Tyr310Cys)

Gene: EYA4 (EYA transcriptional coactivator and phosphatase 4; plus strand). Cytogenetic location: 6q23.2.
Variant type: single nucleotide variant.
Coding change: c.929A>G on transcript NM_004100.5 (MANE Select); coding-DNA position 929, A replaced by G.
Protein change: p.Tyr310Cys; replaces tyrosine 310 with cysteine.
Molecular consequence: missense variant.
Genome position (GRCh38, 1-based): chr6:133,468,690, A>G. VCF-style: chr6-133468690-A-G. GRCh37 (hg19) VCF-style: chr6-133789828-A-G.
Other names: c.767A>G, p.Tyr256Cys (NM_001301012.2, NM_001370459.1); c.929A>G, p.Tyr310Cys (NM_001301013.2, NM_172105.4); c.860A>G, p.Tyr287Cys (NM_001370458.1, NM_172103.4); short protein forms Y256C, Y287C, Y310C.
Identifiers: ClinVar variation 1932476 (VCV001932476.5), dbSNP rs1795059885, ClinGen allele CA365703800.

ClinVar aggregate classification (germline): Uncertain significance (1 of 4 stars; one submission).

Conditions:
Dilated cardiomyopathy 1J (CMD1J). Also called: CARDIOMYOPATHY, DILATED, WITH SENSORINEURAL HEARING LOSS, AUTOSOMAL DOMINANT. Identifiers: Orphanet 217622, MedGen C1854368, MONDO:0011541, OMIM 605362.

Allele frequency attached by ClinVar (database versions not stated): TOPMed 0.00001.

Submission:

Labcorp Genetics (formerly Invitae), Labcorp
Classification: Uncertain significance for Dilated cardiomyopathy 1J. Last evaluated: 2022-07-06. Review status: criteria provided, single submitter. Criteria: Invitae Variant Classification Sherloc (09022015). Collection method: clinical testing. Allele origin: germline.
Comment: In summary, the available evidence is currently insufficient to determine the role of this variant in disease. Therefore, it has been classified as a Variant of Uncertain Significance. Algorithms developed to predict the effect of missense changes on protein structure and function (SIFT, PolyPhen-2, Align-GVGD) all suggest that this variant is likely to be disruptive. This variant has not been reported in the literature in individuals affected with EYA4-related conditions. This variant is not present in population databases (gnomAD no frequency). This sequence change replaces tyrosine, which is neutral and polar, with cysteine, which is neutral and slightly polar, at codon 310 of the EYA4 protein (p.Tyr310Cys).